The following is an entry in ClinVar:

NM_007294.4(BRCA1):c.5393T>G (p.Phe1798Cys)

Gene: BRCA1 (BRCA1 DNA repair associated; minus strand). Cytogenetic location: 17q21.31.
Variant type: single nucleotide variant.
Coding change: c.5393T>G on transcript NM_007294.4 (MANE Select); coding-DNA position 5393, T replaced by G.
Protein change: p.Phe1798Cys; replaces phenylalanine 1798 with cysteine.
Molecular consequence: missense variant. On other transcripts: non-coding transcript variant (1), intron variant (1).
Genome position (GRCh38, 1-based): chr17:43,049,134, A>C on the plus strand (T>G on the coding strand, the complement: BRCA1 is on the minus strand). VCF-style: chr17-43049134-A-C. GRCh37 (hg19) VCF-style: chr17-41201151-A-C.
Other names: c.1742T>G, p.Phe581Cys (NM_001408509.1); c.1703T>G, p.Phe568Cys (NM_001408510.1); c.1700T>G, p.Phe567Cys (NM_001408511.1); c.1580T>G, p.Phe527Cys (NM_001408512.1); c.1553T>G, p.Phe518Cys (NM_001408513.1); c.1157T>G, p.Phe386Cys (NM_001408514.1); c.5252T>G, p.Phe1751Cys (NM_007297.4, NM_001407692.1, NM_001407694.1 and 12 more transcripts); c.2081T>G, p.Phe694Cys (NM_007298.4, NM_007304.2, NM_001407979.1 and 11 more transcripts); and 73 more; short protein forms F1751C, F1819C, F1798C, F694C, F1502C, F1686C, F1708C, F1710C.
Identifiers: ClinVar variation 868045 (VCV000868045.3), dbSNP rs2051076234, ClinGen allele CA10590689.

Conditions:
Breast-ovarian cancer, familial, susceptibility to, 1 (BROVCA1). Also called: BRCA1 Hereditary Breast and Ovarian Cancer; OVARIAN CANCER, SUSCEPTIBILITY TO. Identifiers: Orphanet 145, MedGen C2676676, MONDO:0011450, OMIM 604370. Disease mechanism: loss of function.

Submission:

Brotman Baty Institute, University of Washington
No classification provided (evidence only). Condition: Breast-ovarian cancer, familial 1. Review status: no classification provided. Collection method: in vitro. Allele origin: not applicable. Functional consequence: functionally_normal.
ClinVar note: "not provided" was previously submitted as the classification for the variant. However, the classification appeared to be based only on an observation of functional data so it was converted to no classification on 2025-07-30.